The following is an entry in ClinVar:

NM_004565.3(PEX14):c.862G>A (p.Val288Ile)

Gene: PEX14 (peroxisomal biogenesis factor 14; plus strand). Cytogenetic location: 1p36.22.
Variant type: single nucleotide variant.
Coding change: c.862G>A on transcript NM_004565.3 (MANE Select); coding-DNA position 862, G replaced by A.
Protein change: p.Val288Ile; replaces valine 288 with isoleucine.
Molecular consequence: missense variant.
Genome position (GRCh38, 1-based): chr1:10,629,715, G>A. VCF-style: chr1-10629715-G-A. GRCh37 (hg19) VCF-style: chr1-10689772-G-A.
Other names: short protein forms V288I.
Identifiers: ClinVar variation 1357228 (VCV001357228.9), dbSNP rs1207319506, ClinGen allele CA338338937.

ClinVar aggregate classification (germline): Uncertain significance. Review status: criteria provided, multiple submitters, no conflicts (2 of 4 stars). 2 submissions from 2 submitters: Uncertain significance (2). Last evaluated 2024-04-11.

Conditions:
Peroxisome biogenesis disorder, complementation group K (CGK). Identifiers: MedGen C1866257, MONDO:0800365.
Peroxisome biogenesis disorder 13A (Zellweger). Also called: Peroxisome biogenesis disorder 13A. Identifiers: Orphanet 912, MedGen C3554004, MONDO:0013952, OMIM 614887.

gnomAD v4.1: 1 of 1,607,508 alleles (0.000062%); highest among the groups gnomAD compares: Non-Finnish European, 0.000085%; no homozygotes.

Submissions (2):

Fulgent Genetics
Classification: Uncertain significance for Peroxisome biogenesis disorder 13A (Zellweger). Last evaluated: 2024-04-11. Review status: criteria provided, single submitter. Criteria: ACMG Guidelines, 2015. Collection method: clinical testing. Allele origin: germline.

Labcorp Genetics (formerly Invitae), Labcorp
Classification: Uncertain significance for Peroxisome biogenesis disorder, complementation group K. Last evaluated: 2022-12-02. Review status: criteria provided, single submitter. Criteria: Invitae Variant Classification Sherloc (09022015). Collection method: clinical testing. Allele origin: germline.
Comment: This sequence change replaces valine, which is neutral and non-polar, with isoleucine, which is neutral and non-polar, at codon 288 of the PEX14 protein (p.Val288Ile). This variant is not present in population databases (gnomAD no frequency). This variant has not been reported in the literature in individuals affected with PEX14-related conditions. ClinVar contains an entry for this variant (Variation ID: 1357228). Advanced modeling of protein sequence and biophysical properties (such as structural, functional, and spatial information, amino acid conservation, physicochemical variation, residue mobility, and thermodynamic stability) performed at Invitae indicates that this missense variant is not expected to disrupt PEX14 protein function. In summary, the available evidence is currently insufficient to determine the role of this variant in disease. Therefore, it has been classified as a Variant of Uncertain Significance.